The following is an entry in ClinVar:

ClinVar aggregate classification (germline): Pathogenic/Likely pathogenic. Review status: criteria provided, multiple submitters, no conflicts (2 of 4 stars). 2 submissions from 2 submitters: Pathogenic (1); Likely pathogenic (1). Last evaluated 2023-05-03.

Conditions:
Cone dystrophy 4 (COD4). Identifiers: Orphanet 49382, MedGen C2751308, MONDO:0013129, OMIM 613093.

gnomAD v4.1: 1 of 1,613,462 alleles (0.000062%); highest among the groups gnomAD compares: South Asian, 0.0011%; no homozygotes.

Submissions (2):

Illumina Laboratory Services, Illumina
Classification: Likely pathogenic for Cone dystrophy 4. Last evaluated: 2023-05-03. Review status: criteria provided, single submitter. Criteria: ICSLVariantClassificationCriteria RUGD 01 April 2020. Collection method: clinical testing. Allele origin: unknown.
Comment: The PDE6C c.1336G>T (p. Glu446Ter) nonsense variant is expected to result in the loss of normal protein function through either protein truncation or nonsense-mediated mRNA decay. To our knowledge, this variant has not been reported in the peer-reviewed literature. This variant is reported in the Genome Aggregation Database in one allele at a frequency of 0.000033 in the South Asian population (version 2.1.1). Based on the available evidence, the c.1336G>T (p. Glu446Ter) variant is classified as likely pathogenic for cone dystrophy.

3billion
Classification: Pathogenic for Cone dystrophy 4. Review status: criteria provided, single submitter. Criteria: ACMG Guidelines, 2015. Collection method: clinical testing. Allele origin: unknown. Affected: yes. Observed: 1 homozygote.
Comment: The variant is observed at an extremely low frequency in the gnomAD v2.1.1 dataset (total allele frequency: <0.001%). The variant is predicted to result in a loss or disruption of normal protein function through nonsense-mediated decay (NMD) or protein truncation. Multiple pathogenic variants are reported downstream of the variant. Therefore, this variant is classified as Pathogenic according to the recommendation of ACMG/AMP guideline.

Literature cited by the submitters: PubMed 20301591 (cited by Illumina Laboratory Services, Illumina); PubMed 31964843 (cited by Illumina Laboratory Services, Illumina).

NM_006204.4(PDE6C):c.1336G>T (p.Glu446Ter)

Gene: PDE6C (phosphodiesterase 6C; plus strand). Cytogenetic location: 10q23.33.
Variant type: single nucleotide variant.
Coding change: c.1336G>T on transcript NM_006204.4 (MANE Select); coding-DNA position 1336, G replaced by T.
Protein change: p.Glu446Ter; replaces glutamic acid 446 with a stop codon.
Molecular consequence: nonsense.
Genome position (GRCh38, 1-based): chr10:93,635,563, G>T. VCF-style: chr10-93635563-G-T. GRCh37 (hg19) VCF-style: chr10-95395320-G-T.
Other names: short protein forms E446*.
Identifiers: ClinVar variation 2572553 (VCV002572553.1), dbSNP rs1410436651, ClinGen allele CA377615261.